The following is an entry in ClinVar:

NM_007294.4(BRCA1):c.81-23T>A

Gene: BRCA1 (BRCA1 DNA repair associated; minus strand). Cytogenetic location: 17q21.31.
Variant type: single nucleotide variant.
Coding change: c.81-23T>A on transcript NM_007294.4 (MANE Select); 23 bases into the intron before coding-DNA position 81, T replaced by A.
Molecular consequence: intron variant.
Genome position (GRCh38, 1-based): chr17:43,115,802, A>T on the plus strand (T>A on the coding strand, the complement: BRCA1 is on the minus strand). VCF-style: chr17-43115802-A-T. GRCh37 (hg19) VCF-style: chr17-41267819-A-T.
Other names: c.81-23T>A (NM_001407690.1, NM_001407687.1, NM_001407941.1 and 191 more transcripts); c.-177-23T>A (NM_001407724.1, NM_001407746.1, NM_001408468.1 and 13 more transcripts); c.-61-23T>A (NM_001407697.1, NM_001407838.1, NM_001408410.1 and 47 more transcripts); c.-108-23T>A (NM_001408483.1, NM_001407885.1, NM_001407886.1 and 52 more transcripts); c.-219+9475T>A (NM_001407967.1); c.-170+9475T>A (NM_001407959.1); c.-7-9269T>A (NM_001407931.1, NM_001407747.1, NM_001408511.1 and 2 more transcripts); c.-223-23T>A (NM_001407962.1, NM_001408512.1, NM_001408510.1 and 1 more transcripts); and 10 more.
Identifiers: ClinVar variation 865074 (VCV000865074.3), dbSNP rs1287290908, ClinGen allele CA916081103.

Conditions:
Breast-ovarian cancer, familial, susceptibility to, 1 (BROVCA1). Also called: BRCA1 Hereditary Breast and Ovarian Cancer; OVARIAN CANCER, SUSCEPTIBILITY TO. Identifiers: Orphanet 145, MedGen C2676676, MONDO:0011450, OMIM 604370. Disease mechanism: loss of function.

Submission:

Brotman Baty Institute, University of Washington
No classification provided (evidence only). Condition: Breast-ovarian cancer, familial 1. Review status: no classification provided. Collection method: in vitro. Allele origin: not applicable. Functional consequence: functionally_normal.
ClinVar note: "not provided" was previously submitted as the classification for the variant. However, the classification appeared to be based only on an observation of functional data so it was converted to no classification on 2025-07-30.